The following is an entry in ClinVar:

NM_005154.5(USP8):c.2291A>G (p.Asn764Ser)

Gene: USP8 (ubiquitin specific peptidase 8; plus strand). Cytogenetic location: 15q21.2.
Variant type: single nucleotide variant.
Coding change: c.2291A>G on transcript NM_005154.5 (MANE Select); coding-DNA position 2291, A replaced by G.
Protein change: p.Asn764Ser; replaces asparagine 764 with serine.
Molecular consequence: missense variant.
Genome position (GRCh38, 1-based): chr15:50,492,757, A>G. VCF-style: chr15-50492757-A-G. GRCh37 (hg19) VCF-style: chr15-50784954-A-G.
Other names: c.2291A>G, p.Asn764Ser (NM_001128610.3); c.1973A>G, p.Asn658Ser (NM_001283049.2); short protein forms N658S, N764S.
Identifiers: ClinVar variation 998430 (VCV000998430.8), dbSNP rs1318445105, ClinGen allele CA392400497.
Genomic context (GRCh38, chr15:50,492,757, plus strand): 5'-TCAGGCCAACATGTTATCCTAAAGCTGAGATCTCAAGGCTTTCTGCTTCTCAGATTCGGA[A>G]CCTCAATCCTGTTTTTGGAGGTTCTGGACCAGCTCTTACTGGACTTCGTAACTTAGGAAA-3'
Protein context (NP_005145.3, residues 754-774): ISRLSASQIR[Asn764Ser]LNPVFGGSGP

ClinVar aggregate classification (germline): Uncertain significance (1 of 4 stars; one submission).

Conditions:
Hereditary spastic paraplegia. Also called: Familial spastic paraparesis. Identifiers: Orphanet 685, MedGen C0037773, MONDO:0019064. Disease mechanism: loss of function.

Allele frequency attached by ClinVar (database versions not stated): gnomAD 0.00001; gnomAD exomes 0.00001 and 0.00003; TOPMed 0.00001.
gnomAD v4.1: 9 of 1,614,004 alleles (0.00056%); highest among the groups gnomAD compares: East Asian, 0.02%; no homozygotes.

Submission:

Labcorp Genetics (formerly Invitae), Labcorp
Classification: Uncertain significance for Hereditary spastic paraplegia. Last evaluated: 2024-02-24. Review status: criteria provided, single submitter. Criteria: Invitae Variant Classification Sherloc (09022015). Collection method: clinical testing. Allele origin: germline.
Comment: This sequence change replaces asparagine, which is neutral and polar, with serine, which is neutral and polar, at codon 764 of the USP8 protein (p.Asn764Ser). This variant is present in population databases (no rsID available, gnomAD 0.03%). This variant has not been reported in the literature in individuals affected with USP8-related conditions. ClinVar contains an entry for this variant (Variation ID: 998430). An algorithm developed to predict the effect of missense changes on protein structure and function (PolyPhen-2) suggests that this variant is likely to be disruptive. In summary, the available evidence is currently insufficient to determine the role of this variant in disease. Therefore, it has been classified as a Variant of Uncertain Significance.